The following is an entry in ClinVar:

ClinVar aggregate classification (germline): Likely pathogenic (1 of 4 stars; one submission).

Submission:

Labcorp Genetics (formerly Invitae), Labcorp
Classification: Likely pathogenic. Last evaluated: 2025-09-18. Review status: criteria provided, single submitter. Criteria: Invitae Variant Classification Sherloc (09022015). Collection method: clinical testing. Allele origin: germline.
Comment: This sequence change affects an acceptor splice site in intron 9 of the POLE gene. It is expected to disrupt RNA splicing. Variants that disrupt the donor or acceptor splice site typically lead to a loss of protein function (PMID: 16199547), and loss-of-function variants in POLE are known to be pathogenic (PMID: 23230001, 25948378, 30503519). This variant is not present in population databases (gnomAD no frequency). This variant has not been reported in the literature in individuals affected with POLE-related conditions. ClinVar contains an entry for this variant (Variation ID: 1046202). Algorithms developed to predict the effect of sequence changes on RNA splicing suggest that this variant may disrupt the consensus splice site. In summary, the currently available evidence indicates that the variant is pathogenic, but additional data are needed to prove that conclusively. Therefore, this variant has been classified as Likely Pathogenic.

Literature cited by the submitters: PubMed 16199547; PubMed 23230001; PubMed 25948378; PubMed 30503519.

NM_006231.4(POLE):c.910-2A>G

Gene: POLE (DNA polymerase epsilon, catalytic subunit; minus strand). Cytogenetic location: 12q24.33.
Variant type: single nucleotide variant.
Coding change: c.910-2A>G on transcript NM_006231.4 (MANE Select); the canonical splice acceptor site of the intron before coding-DNA position 910, A replaced by G.
Molecular consequence: splice acceptor variant.
Genome position (GRCh38, 1-based): chr12:132,676,206, T>C on the plus strand (A>G on the coding strand, the complement: POLE is on the minus strand). VCF-style: chr12-132676206-T-C. GRCh37 (hg19) VCF-style: chr12-133252792-T-C.
Identifiers: ClinVar variation 1046202 (VCV001046202.9), dbSNP rs2043047870, ClinGen allele CA387364033.